The following is an entry in ClinVar:

NM_001267550.2(TTN):c.42401G>A (p.Arg14134Gln)

Gene: TTN (titin; minus strand). Cytogenetic location: 2q31.2.
Variant type: single nucleotide variant.
Coding change: c.42401G>A on transcript NM_001267550.2 (MANE Select); coding-DNA position 42401, G replaced by A.
Protein change: p.Arg14134Gln; replaces arginine 14134 with glutamine.
Molecular consequence: missense variant.
Genome position (GRCh38, 1-based): chr2:178,634,380, C>T on the plus strand (G>A on the coding strand, the complement: TTN is on the minus strand). VCF-style: chr2-178634380-C-T. GRCh37 (hg19) VCF-style: chr2-179499107-C-T.
Other names: c.37478G>A, p.Arg12493Gln (NM_001256850.1); c.15206G>A, p.Arg5069Gln (NM_003319.4); c.34697G>A, p.Arg11566Gln (NM_133378.4); c.15581G>A, p.Arg5194Gln (NM_133432.3); c.15782G>A, p.Arg5261Gln (NM_133437.4); short protein forms R14134Q, R5069Q, R5261Q, R5194Q, R11566Q, R12493Q.
Identifiers: ClinVar variation 535579 (VCV000535579.6), dbSNP rs764083952, ClinGen allele CA1996089.
Genomic context (GRCh38, chr2:178,634,380, plus strand): 5'-TTTGCATGCCTTTATGGGATGTCACAGATCTCATTAGCTCGCTTACCTGTGACAAACAAC[C>T]GAGCTGAGGTCTTCTTGCCCTCCACCTCAGCAGTATAGACCCCTTCATCATCAAATTGAG-3'
Protein context (NP_001254479.2, residues 14124-14144): AEVEGKKTSA[Arg14134Gln]LFVTGIRLKF

ClinVar aggregate classification (germline): Conflicting classifications of pathogenicity. Review status: criteria provided, conflicting classifications (1 of 4 stars). 4 submissions from 4 submitters: Uncertain significance (3); Likely benign (1). Last evaluated 2022-10-04.

Conditions:
Dilated cardiomyopathy 1G (CMD1G). Identifiers: Orphanet 154, MedGen C1858763, MONDO:0011400, OMIM 604145.
Myopathy, myofibrillar, 9, with early respiratory failure (MFM9). Also called: Hereditary myopathy with early respiratory failure; MYOPATHY, PROXIMAL, WITH EARLY RESPIRATORY MUSCLE INVOLVEMENT; Myopathy, distal, with early respiratory failure, autosomal dominant; EDSTROM MYOPATHY. Identifiers: Orphanet 178464, Orphanet 34521, MedGen C1863599, MONDO:0011362, OMIM 603689.
Early-onset myopathy with fatal cardiomyopathy (CMYO5). Also called: CONGENITAL MYOPATHY 5 WITH CARDIOMYOPATHY; Salih Myopathy. Identifiers: Orphanet 289377, MedGen C2673677, MONDO:0012714, OMIM 611705. Disease mechanism: loss of function.
Autosomal recessive limb-girdle muscular dystrophy type 2J (LGMDR10). Also called: Limb-girdle muscular dystrophy, type 2J; MUSCULAR DYSTROPHY, LIMB-GIRDLE, AUTOSOMAL RECESSIVE 10. Identifiers: Orphanet 140922, MedGen C1837342, MONDO:0012127, OMIM 608807.
Tibial muscular dystrophy (TMD). Also called: UDD MYOPATHY; Udd Distal Myopathy – Tibial Muscular Dystrophy; Tibial muscular dystrophy, tardive. Identifiers: Orphanet 609, MedGen C1838244, MONDO:0010870, OMIM 600334.
Hypertrophic cardiomyopathy 9. Also called: Familial hypertrophic cardiomyopathy 9. Identifiers: MedGen C1861065, MONDO:0013412, OMIM 613765.

Allele frequency attached by ClinVar (database versions not stated): gnomAD 0.00001; TOPMed 0.00002; ExAC 0.00003.
gnomAD v4.1: 30 of 1,605,786 alleles (0.0019%); highest among the groups gnomAD compares: Middle Eastern, 0.017%; no homozygotes.

Submissions (4):

Blueprint Genetics
Classification: Likely benign. Last evaluated: 2022-10-04. Review status: criteria provided, single submitter. Criteria: ACMG Guidelines, 2015. Collection method: clinical testing. Allele origin: germline.

Women's Health and Genetics/Laboratory Corporation of America, LabCorp
Classification: Uncertain significance. Last evaluated: 2021-08-23. Review status: criteria provided, single submitter. Criteria: LabCorp Variant Classification Summary - May 2015. Collection method: clinical testing. Allele origin: germline.
Comment: Variant summary: TTN c.34697G>A (p.Arg11566Gln) results in a conservative amino acid change located in the I-band domain of the encoded protein sequence. Five of five in-silico tools predict a benign effect of the variant on protein function. The variant allele was found at a frequency of 2.9e-05 in 240872 control chromosomes (gnomAD). The available data on variant occurrences in the general population are insufficient to allow any conclusion about variant significance. To our knowledge, no occurrence of c.34697G>A in individuals affected with Dilated Cardiomyopathy and no experimental evidence demonstrating its impact on protein function have been reported. Two ClinVar submitters (evaluation after 2014) cite the variant as uncertain significance. Based on the evidence outlined above, the variant was classified as uncertain significance.

Fulgent Genetics
Classification: Uncertain significance for Tibial muscular dystrophy; Myopathy, myofibrillar, 9, with early respiratory failure; Dilated cardiomyopathy 1G; Autosomal recessive limb-girdle muscular dystrophy type 2J; Early-onset myopathy with fatal cardiomyopathy; Hypertrophic cardiomyopathy 9. Last evaluated: 2018-10-31. Review status: criteria provided, single submitter. Criteria: ACMG Guidelines, 2015. Collection method: clinical testing. Allele origin: unknown.

Labcorp Genetics (formerly Invitae), Labcorp
Classification: Uncertain significance for Dilated cardiomyopathy 1G; Autosomal recessive limb-girdle muscular dystrophy type 2J. Last evaluated: 2017-12-06. Review status: criteria provided, single submitter. Criteria: Invitae Variant Classification Sherloc (09022015). Collection method: clinical testing. Allele origin: germline.